The following is an entry in ClinVar:

NM_015338.6(ASXL1):c.1020A>C (p.Glu340Asp)

Gene: ASXL1 (ASXL transcriptional regulator 1; plus strand). Cytogenetic location: 20q11.21.
Variant type: single nucleotide variant.
Coding change: c.1020A>C on transcript NM_015338.6 (MANE Select); coding-DNA position 1020, A replaced by C.
Protein change: p.Glu340Asp; replaces glutamic acid 340 with aspartic acid.
Molecular consequence: missense variant.
Genome position (GRCh38, 1-based): chr20:32,432,920, A>C. VCF-style: chr20-32432920-A-C. GRCh37 (hg19) VCF-style: chr20-31020723-A-C.
Other names: c.837A>C, p.Glu279Asp (NM_001363734.1); short protein forms E279D, E340D.
Identifiers: ClinVar variation 2015520 (VCV002015520.5), dbSNP rs1414475265, ClinGen allele CA408555200.

ClinVar aggregate classification (germline): Uncertain significance. Review status: criteria provided, multiple submitters, no conflicts (2 of 4 stars). 2 submissions from 2 submitters: Uncertain significance (2). Last evaluated 2025-02-14.

Conditions:
Inborn genetic diseases. Identifiers: MedGen C0950123, MeSH D030342.

Allele frequency attached by ClinVar (database versions not stated): gnomAD exomes below 0.00001.
gnomAD v4.1: 2 of 1,614,028 alleles (0.00012%); highest among the groups gnomAD compares: Non-Finnish European, 0.00017%; no homozygotes.

Submissions (2):

Ambry Genetics
Classification: Uncertain significance for Inborn genetic diseases. Last evaluated: 2025-02-14. Review status: criteria provided, single submitter. Criteria: Ambry Variant Classification Scheme 2023. Collection method: clinical testing. Allele origin: germline.
Comment: The p.E340D variant (also known as c.1020A>C), located in coding exon 11 of the ASXL1 gene, results from an A to C substitution at nucleotide position 1020. The glutamic acid at codon 340 is replaced by aspartic acid, an amino acid with highly similar properties. This amino acid position is conserved. In addition, the in silico prediction for this alteration is inconclusive. Based on the available evidence, the clinical significance of this variant remains unclear.

Labcorp Genetics (formerly Invitae), Labcorp
Classification: Uncertain significance. Last evaluated: 2024-06-04. Review status: criteria provided, single submitter. Criteria: Invitae Variant Classification Sherloc (09022015). Collection method: clinical testing. Allele origin: germline.
Comment: This sequence change replaces glutamic acid, which is acidic and polar, with aspartic acid, which is acidic and polar, at codon 340 of the ASXL1 protein (p.Glu340Asp). This variant is present in population databases (no rsID available, gnomAD 0.0009%). This variant has not been reported in the literature in individuals affected with ASXL1-related conditions. ClinVar contains an entry for this variant (Variation ID: 2015520). An algorithm developed to predict the effect of missense changes on protein structure and function (PolyPhen-2) suggests that this variant is likely to be disruptive. In summary, the available evidence is currently insufficient to determine the role of this variant in disease. Therefore, it has been classified as a Variant of Uncertain Significance.